The following is an entry in ClinVar:

NM_001080421.3(UNC13A):c.1734G>A (p.Ala578=)

Gene: UNC13A (unc-13 homolog A; minus strand). Cytogenetic location: 19p13.11.
Variant type: single nucleotide variant.
Coding change: c.1734G>A on transcript NM_001080421.3 (MANE Select); coding-DNA position 1734, G replaced by A.
Protein change: p.Ala578=; no amino-acid change (alanine 578 retained).
Molecular consequence: synonymous variant.
Genome position (GRCh38, 1-based): chr19:17,648,513, C>T on the plus strand (G>A on the coding strand, the complement: UNC13A is on the minus strand). VCF-style: chr19-17648513-C-T. GRCh37 (hg19) VCF-style: chr19-17759322-C-T.
Other names: c.1728G>A, p.Ala576= (NM_001387021.1, NM_001387022.1, NM_001387023.1).
Identifiers: ClinVar variation 4822904 (VCV004822904.4).

ClinVar aggregate classification (germline): Likely benign (1 of 4 stars; one submission).

gnomAD v4.1: 6 of 1,613,670 alleles (0.00037%); highest among the groups gnomAD compares: East Asian, 0.0067%; no homozygotes.

Submission:

CeGaT Center for Human Genetics Tuebingen
Classification: Likely benign. Last evaluated: 2026-01-01. Review status: criteria provided, single submitter. Criteria: CeGaT Center For Human Genetics Tuebingen Variant Classification Criteria Version 2. Collection method: clinical testing. Allele origin: germline. Affected: yes. Observed: 1 variant allele.
Comment: UNC13A: BP4, BP7